The following is an entry in ClinVar:

ClinVar aggregate classification (germline): Uncertain significance. Review status: criteria provided, multiple submitters, no conflicts (2 of 4 stars). 2 submissions from 2 submitters: Uncertain significance (2). Last evaluated 2025-12-03.

Conditions:
Oto-palato-digital syndrome, type II (OPD2). Also called: Otopalatodigital Syndrome, Type II; FACIOPALATOOSSEOUS SYNDROME; OPD II SYNDROME; Otopalatodigital Syndrome Type 2 (FLNA-OPD2). Identifiers: Orphanet 669, Orphanet 90652, MedGen C1844696, MONDO:0010571, OMIM 304120.
Frontometaphyseal dysplasia (FMD1). Identifiers: Orphanet 1826, MedGen C0265293, MONDO:0015942.
Heterotopia, periventricular, X-linked dominant (PVNH1). Also called: PERIVENTRICULAR NODULAR HETEROTOPIA 1; X-linked periventricular heterotopia; PERIVENTRICULAR NODULAR HETEROTOPIA 4; HETEROTOPIA, PERIVENTRICULAR, 1. Identifiers: Orphanet 2149, Orphanet 82004, MedGen C1848213, MONDO:0010233, OMIM 300049.
Melnick-Needles syndrome (MNS). Also called: MELNICK-NEEDLES OSTEODYSPLASTY; OSTEODYSPLASTY OF MELNICK AND NEEDLES; Melnick-Needles Syndrome (FLNA-MNS). Identifiers: Orphanet 2484, MedGen C0025237, MONDO:0010650, OMIM 309350.
Familial thoracic aortic aneurysm and aortic dissection (TAAD). Also called: Thoracic aortic aneurysms and dissections. Identifiers: Orphanet 91387, MedGen C4707243, MONDO:0019625.

Allele frequency attached by ClinVar (database versions not stated): gnomAD exomes 0.00001; TOPMed 0.00001; gnomAD 0.00003.
gnomAD v4.1: 10 of 1,210,165 alleles (0.00083%); highest among the groups gnomAD compares: African/African-American, 0.0017%; no homozygotes.

Submissions (2):

Labcorp Genetics (formerly Invitae), Labcorp
Classification: Uncertain significance for Oto-palato-digital syndrome, type II; Heterotopia, periventricular, X-linked dominant; Frontometaphyseal dysplasia; Melnick-Needles syndrome. Last evaluated: 2025-12-03. Review status: criteria provided, single submitter. Criteria: Invitae Variant Classification Sherloc (09022015). Collection method: clinical testing. Allele origin: germline.
Comment: This sequence change replaces phenylalanine, which is neutral and non-polar, with leucine, which is neutral and non-polar, at codon 2345 of the FLNA protein (p.Phe2345Leu). This variant is not present in population databases (gnomAD no frequency). This variant has not been reported in the literature in individuals affected with FLNA-related conditions. ClinVar contains an entry for this variant (Variation ID: 220986). Invitae Evidence Modeling of protein sequence and biophysical properties (such as structural, functional, and spatial information, amino acid conservation, physicochemical variation, residue mobility, and thermodynamic stability) indicates that this missense variant is not expected to disrupt FLNA protein function with a negative predictive value of 95%. In summary, the available evidence is currently insufficient to determine the role of this variant in disease. Therefore, it has been classified as a Variant of Uncertain Significance.

Ambry Genetics
Classification: Uncertain significance for Familial thoracic aortic aneurysm and aortic dissection. Last evaluated: 2017-08-10. Review status: criteria provided, single submitter. Criteria: Ambry Variant Classification Scheme 2023. Collection method: clinical testing. Allele origin: germline.
Comment: The p.F2345L variant (also known as c.7035T>G), located in coding exon 42 of the FLNA gene, results from a T to G substitution at nucleotide position 7035. The phenylalanine at codon 2345 is replaced by leucine, an amino acid with highly similar properties. This amino acid position is highly conserved in available vertebrate species. In addition, this alteration is predicted to be deleterious by in silico analysis. Since supporting evidence is limited at this time, the clinical significance of this alteration remains unclear.

NM_001110556.2(FLNA):c.7059T>G (p.Phe2353Leu)

Gene: FLNA (filamin A; minus strand). Cytogenetic location: Xq28.
Variant type: single nucleotide variant.
Coding change: c.7059T>G on transcript NM_001110556.2 (MANE Select); coding-DNA position 7059, T replaced by G.
Protein change: p.Phe2353Leu; replaces phenylalanine 2353 with leucine.
Molecular consequence: missense variant.
Genome position (GRCh38, 1-based): chrX:154,351,006, A>C on the plus strand (T>G on the coding strand, the complement: FLNA is on the minus strand). VCF-style: chrX-154351006-A-C. GRCh37 (hg19) VCF-style: chrX-153579374-A-C.
Other names: c.7035T>G, p.Phe2345Leu (NM_001456.4); short protein forms F2353L, F2345L.
Identifiers: ClinVar variation 220986 (VCV000220986.14), dbSNP rs864622713, ClinGen allele CA348410.
Genomic context (GRCh38, chrX:154,351,006, plus strand): 5'-TCCTGAGGGGCTGTGCACCTTGGCATCGATCGCCCCCTTGGCCCCGTTCAGGCTGACTGC[A>C]AAAGAGGCTGGCTGGTTGACCTTTAGCCCTGACTCCTGGAAGCACAGCAGACATGGTTAG-3'
Protein context (NP_001104026.1, residues 2343-2363): SGLKVNQPAS[Phe2353Leu]AVSLNGAKGA